The following is an entry in ClinVar:

ClinVar aggregate classification (germline): Benign/Likely benign. Review status: criteria provided, multiple submitters, no conflicts (2 of 4 stars). 4 submissions from 4 submitters: Benign (1); Likely benign (3). Last evaluated 2026-07-30.

Conditions:
Hereditary pheochromocytoma and paraganglioma. Also called: Hereditary paragangliomas and pheochromocytomas; Hereditary Paraganglioma-Pheochromocytoma Syndromes; Hereditary pheochromocytoma-paraganglioma. Identifiers: Orphanet 29072, MedGen C4274332, MONDO:0017366.
Hereditary cancer-predisposing syndrome. Also called: Tumor predisposition; Neoplastic Syndromes, Hereditary; Hereditary Cancer Syndrome; Hereditary neoplastic syndrome. Identifiers: Orphanet 140162, MedGen C0027672, MeSH D009386, MONDO:0015356.

Allele frequency attached by ClinVar (database versions not stated): gnomAD exomes below 0.00001; gnomAD 0.00001; TOPMed 0.00002.
gnomAD v4.1: 5 of 1,614,024 alleles (0.00031%); highest among the groups gnomAD compares: Non-Finnish European, 0.00042%; no homozygotes.

Submissions (4):

Myriad Genetics, Inc.
Classification: Benign for Hereditary pheochromocytoma and paraganglioma. Last evaluated: 2026-07-30. Review status: criteria provided, single submitter. Criteria: Myriad Autosomal Dominant, Autosomal Recessive and X-Linked Classification Criteria (2023). Collection method: clinical testing. Allele origin: unknown.
Comment: This variant is considered benign. This variant is a silent/synonymous amino acid change and it is not expected to impact splicing.

Labcorp Genetics (formerly Invitae), Labcorp
Classification: Likely benign for Hereditary pheochromocytoma and paraganglioma. Last evaluated: 2025-08-06. Review status: criteria provided, single submitter. Criteria: Invitae Variant Classification Sherloc (09022015). Collection method: clinical testing. Allele origin: germline.

Blueprint Genetics
Classification: Likely benign. Last evaluated: 2023-04-18. Review status: criteria provided, single submitter. Criteria: ACMG Guidelines, 2015. Collection method: clinical testing. Allele origin: germline.

Ambry Genetics
Classification: Likely benign for Hereditary cancer-predisposing syndrome. Last evaluated: 2018-11-10. Review status: criteria provided, single submitter. Criteria: Ambry Variant Classification Scheme 2023. Collection method: clinical testing. Allele origin: germline.

NM_017849.4(TMEM127):c.330T>C (p.Ala110=)

Gene: TMEM127 (transmembrane protein 127; minus strand). Cytogenetic location: 2q11.2.
Variant type: single nucleotide variant.
Coding change: c.330T>C on transcript NM_017849.4 (MANE Select); coding-DNA position 330, T replaced by C.
Protein change: p.Ala110=; no amino-acid change (alanine 110 retained).
Molecular consequence: synonymous variant.
Genome position (GRCh38, 1-based): chr2:96,254,912, A>G on the plus strand (T>C on the coding strand, the complement: TMEM127 is on the minus strand). VCF-style: chr2-96254912-A-G. GRCh37 (hg19) VCF-style: chr2-96920650-A-G.
Other names: c.330T>C, p.Ala110= (NM_001193304.3).
Identifiers: ClinVar variation 532533 (VCV000532533.18), dbSNP rs1157106593, ClinGen allele CA427495469.